The following is an entry in ClinVar:

NM_014008.5(CCDC22):c.504G>C (p.Arg168Ser)

Gene: CCDC22 (CCC complex scaffolding subunit CCDC22; plus strand). Cytogenetic location: Xp11.23.
Variant type: single nucleotide variant.
Coding change: c.504G>C on transcript NM_014008.5 (MANE Select); coding-DNA position 504, G replaced by C.
Protein change: p.Arg168Ser; replaces arginine 168 with serine.
Molecular consequence: missense variant.
Genome position (GRCh38, 1-based): chrX:49,243,153, G>C. VCF-style: chrX-49243153-G-C. GRCh37 (hg19) VCF-style: chrX-49099619-G-C.
Other names: short protein forms R168S.
Identifiers: ClinVar variation 4879491 (VCV004879491.1).

ClinVar aggregate classification (germline): Uncertain significance (1 of 4 stars; one submission).

Conditions:
Ritscher-Schinzel syndrome 2. Identifiers: Orphanet 7, MedGen C4225419, MONDO:0010499, OMIM 300963.

gnomAD v4.1: 2 of 1,211,833 alleles (0.00017%); highest among the groups gnomAD compares: Non-Finnish European, 0.00022%; no homozygotes.

Submission:

Clinical Genomics Laboratory, Washington University in St. Louis
Classification: Uncertain significance for Ritscher-Schinzel syndrome 2. Last evaluated: 2026-02-09. Review status: criteria provided, single submitter. Criteria: ACMG Guidelines, 2015. Collection method: clinical testing. Allele origin: germline.
Comment: The CCDC22 c.504G>C (p.Arg168Ser) variant, to our knowledge, has not been reported in the medical literature. This variant is only observed in 2/1,211,833 alleles in the general population (gnomAD v4.1.0), indicating it is not a common variant. Computational predictors suggest that the variant does not impact CCDC22 function. Due to limited information, and based on ACMG/AMP guidelines for variant interpretation (Richards S et al., PMID: 25741868), the clinical significance of this variant is uncertain at this time.